The following is an entry in ClinVar:

NM_139242.4(MTFMT):c.649A>G (p.Ile217Val)

Gene: MTFMT (mitochondrial methionyl-tRNA formyltransferase; minus strand). Cytogenetic location: 15q22.31.
Variant type: single nucleotide variant.
Coding change: c.649A>G on transcript NM_139242.4 (MANE Select); coding-DNA position 649, A replaced by G.
Protein change: p.Ile217Val; replaces isoleucine 217 with valine.
Molecular consequence: missense variant.
Genome position (GRCh38, 1-based): chr15:65,020,269, T>C on the plus strand (A>G on the coding strand, the complement: MTFMT is on the minus strand). VCF-style: chr15-65020269-T-C. GRCh37 (hg19) VCF-style: chr15-65312607-T-C.
Other names: c.649A>G (NM_139242.3); short protein forms I217V.
Identifiers: ClinVar variation 1347874 (VCV001347874.10), dbSNP rs377708552, ClinGen allele CA7613287.

ClinVar aggregate classification (germline): Uncertain significance. Review status: criteria provided, multiple submitters, no conflicts (2 of 4 stars). 3 submissions from 3 submitters: Uncertain significance (3). Last evaluated 2025-03-30.

Conditions:
Inborn genetic diseases. Identifiers: MedGen C0950123, MeSH D030342.

Allele frequency attached by ClinVar (database versions not stated): gnomAD 0.00004 and 0.00006; TOPMed 0.00005; ESP Exome Variant Server 0.00025.
gnomAD v4.1: 14 of 1,567,600 alleles (0.00089%); highest among the groups gnomAD compares: African/African-American, 0.016%; no homozygotes.

Submissions (3):

Labcorp Genetics (formerly Invitae), Labcorp
Classification: Uncertain significance. Last evaluated: 2025-03-30. Review status: criteria provided, single submitter. Criteria: Invitae Variant Classification Sherloc (09022015). Collection method: clinical testing. Allele origin: germline.
Comment: This sequence change replaces isoleucine, which is neutral and non-polar, with valine, which is neutral and non-polar, at codon 217 of the MTFMT protein (p.Ile217Val). The frequency data for this variant in the population databases is considered unreliable, as metrics indicate poor data quality at this position in the gnomAD database. This variant has not been reported in the literature in individuals affected with MTFMT-related conditions. ClinVar contains an entry for this variant (Variation ID: 1347874). Invitae Evidence Modeling of protein sequence and biophysical properties (such as structural, functional, and spatial information, amino acid conservation, physicochemical variation, residue mobility, and thermodynamic stability) indicates that this missense variant is not expected to disrupt MTFMT protein function with a negative predictive value of 95%. In summary, the available evidence is currently insufficient to determine the role of this variant in disease. Therefore, it has been classified as a Variant of Uncertain Significance.

Ambry Genetics
Classification: Uncertain significance for Inborn genetic diseases. Last evaluated: 2025-01-22. Review status: criteria provided, single submitter. Criteria: Ambry Variant Classification Scheme 2023. Collection method: clinical testing. Allele origin: germline.

GeneDx
Classification: Uncertain significance. Last evaluated: 2024-08-16. Review status: criteria provided, single submitter. Criteria: GeneDx Variant Classification Process June 2021. Collection method: clinical testing. Allele origin: germline. Affected: yes.
Comment: In silico analysis indicates that this missense variant does not alter protein structure/function; Has not been previously published as pathogenic or benign to our knowledge